The following is an entry in ClinVar:

ClinVar aggregate classification (germline): Likely pathogenic (1 of 4 stars; one submission).

Conditions:
Global developmental delay with or without impaired intellectual development. Identifiers: MedGen C5193032, MONDO:0032680, OMIM 618330.

gnomAD v4.1: 1 of 1,613,996 alleles (0.000062%); highest among the groups gnomAD compares: African/African-American, 0.0013%; no homozygotes.

Submission:

Pediatrics, Sichuan Provincial Hospital For Women And Children
Classification: Likely pathogenic for Global developmental delay with or without impaired intellectual development. Last evaluated: 2025-03-01. Review status: criteria provided, single submitter. Criteria: ACMG Guidelines, 2015. Collection method: clinical testing. Allele origin: paternal. Inheritance: Autosomal dominant inheritance. Affected: yes. Observed: 1 heterozygote.
Comment: According to the ACMG guidelines, this variant has been preliminarily classified as a Likely Pathogenic variant (PVS1+). Evidence breakdown: PVS1: This variant is a nonsense mutation (loss-of-function variant), which may lead to impaired gene function. PM2_Supporting: The variant is absent (or extremely rare) in population frequency databases. No relevant reports of this variant were found in literature databases. No pathogenicity analysis results for this variant were recorded in the ClinVar database.

Literature cited by the submitters: PubMed 30014507.

NM_181552.4(CUX1):c.2637G>A (p.Trp879Ter)

Gene: CUX1 (cut like homeobox 1; plus strand). Cytogenetic location: 7q22.1.
Variant type: single nucleotide variant.
Coding change: c.2637G>A on transcript NM_181552.4 (MANE Select); coding-DNA position 2637, G replaced by A.
Protein change: p.Trp879Ter; replaces tryptophan 879 with a stop codon.
Molecular consequence: nonsense. On other transcripts: intron variant (5).
Genome position (GRCh38, 1-based): chr7:102,201,934, G>A. VCF-style: chr7-102201934-G-A. GRCh37 (hg19) VCF-style: chr7-101845214-G-A.
Other names: c.2670G>A, p.Trp890Ter (NM_001202543.2); c.1255+6331G>A (NM_001913.5); c.1249+6331G>A (NM_181500.4); c.1117+6331G>A (NM_001202545.3); c.1207+6331G>A (NM_001202544.3); c.1138+6331G>A (NM_001202546.3); short protein forms W879*, W890*.
Identifiers: ClinVar variation 3896739 (VCV003896739.1).